The following is an entry in ClinVar:

ClinVar aggregate classification (germline): Uncertain significance (0 of 4 stars; one submission).

Conditions:
Abnormality of neuronal migration. Identifiers: MedGen C1837249, HP:0002269.

Submission:

Génétique et pathophysiologie de maladies neurodéveloppementales et épileptogènes, Institut de génétique et de biologie moléculaire et cellulaire
Classification: Uncertain significance for Malformation of Cortical Development. Last evaluated: 2014-10-31. Review status: no assertion criteria provided. Collection method: clinical testing. Allele origin: maternal. Affected: yes. Observed: 4 variant alleles, 2 heterozygotes, 2 compound heterozygotes.

NM_006514.3(SCN10A):c.[2530C>T];[597G>T]

Variant type: CompoundHeterozygote.
Identifiers: ClinVar variation 424739 (VCV000424739.2).